The following is an entry in ClinVar:

NM_024740.2(ALG9):c.1680C>A (p.Ser560=)

Gene: ALG9 (ALG9 alpha-1,2-mannosyltransferase; minus strand). Cytogenetic location: 11q23.1.
Variant type: single nucleotide variant.
Coding change: c.1680C>A on transcript NM_024740.2 (MANE Select); coding-DNA position 1680, C replaced by A.
Protein change: p.Ser560=; no amino-acid change (serine 560 retained).
Molecular consequence: synonymous variant. On other transcripts: non-coding transcript variant (1).
Genome position (GRCh38, 1-based): chr11:111,809,696, G>T on the plus strand (C>A on the coding strand, the complement: ALG9 is on the minus strand). VCF-style: chr11-111809696-G-T. GRCh37 (hg19) VCF-style: chr11-111680420-G-T.
Other names: c.1659C>A, p.Ser553= (NM_001077690.1, NM_001352417.1, NM_001441205.1); c.1167C>A, p.Ser389= (NM_001077691.2, NM_001352413.1, NM_001352414.2 and 1 more transcripts); c.1146C>A, p.Ser382= (NM_001077692.2, NM_001352409.1, NM_001352410.1 and 6 more transcripts); c.1536C>A, p.Ser512= (NM_001352418.1); c.1071C>A, p.Ser357= (NM_001352422.2); c.1023C>A, p.Ser341= (NM_001352423.2); c.1680C>A, p.Ser560= (NM_001441203.1, NM_001441204.1); c.1557C>A, p.Ser519= (NM_001441206.1).
Identifiers: ClinVar variation 4988512 (VCV004988512.1).

ClinVar aggregate classification (germline): Likely benign (1 of 4 stars; one submission).

Conditions:
ALG9-related disorder. Also called: ALG9-related condition.

Submission:

PreventionGenetics, part of Exact Sciences
Classification: Likely benign for ALG9-related condition. Last evaluated: 2026-08-11. Review status: criteria provided, single submitter. Criteria: ACMG Guidelines, 2015. Collection method: clinical testing. Allele origin: germline.
Comment: This variant is classified as likely benign based on ACMG/AMP sequence variant interpretation guidelines (Richards et al. 2015 PMID: 25741868, with internal and published modifications).